The following is an entry in ClinVar:

NM_003072.5(SMARCA4):c.300del (p.Gly102fs)

Gene: SMARCA4 (SWI/SNF related BAF chromatin remodeling complex subunit ATPase 4; plus strand). Cytogenetic location: 19p13.2.
Variant type: Deletion.
Coding change: c.300del on transcript NM_003072.5 (MANE Select); coding-DNA position 300, one base deleted (A; older notation c.300delA).
Protein change: p.Gly102fs; shifts the reading frame from glycine 102.
Molecular consequence: frameshift variant. On other transcripts: non-coding transcript variant (1).
Genome position (GRCh38, 1-based): chr19:10,985,350, A deleted. VCF-style (leftmost placement, unchanged base first): chr19-10985349-CA-C. GRCh37 (hg19) VCF-style: chr19-11096025-CA-C.
Other names: c.300del, p.Gly102fs (NM_001128844.3, NM_001128845.2, NM_001128846.2 and 4 more transcripts); short protein forms G102fs.
Identifiers: ClinVar variation 822572 (VCV000822572.4), dbSNP rs1599941421, ClinGen allele CA915952558.
Genomic context (GRCh38, chr19:10,985,349, plus strand): 5'-ATGAGAAGGGCATGTCGGACGACCCGCGCTACAACCAGATGAAAGGAATGGGGATGCGGT[CA>C]GGGGGCCATGCTGGGATGGGGCCCCCGCCCAGCCCCATGGACCAGCACTCCCAAGGTACA-3'

ClinVar aggregate classification (germline): Pathogenic (1 of 4 stars; one submission).

Conditions:
Hereditary cancer-predisposing syndrome. Also called: Tumor predisposition; Hereditary Cancer Syndrome; Neoplastic Syndromes, Hereditary; Hereditary neoplastic syndrome. Identifiers: Orphanet 140162, MedGen C0027672, MeSH D009386, MONDO:0015356.

Submission:

Ambry Genetics
Classification: Pathogenic for Hereditary cancer-predisposing syndrome. Last evaluated: 2022-10-19. Review status: criteria provided, single submitter. Criteria: Ambry Variant Classification Scheme 2023. Collection method: clinical testing. Allele origin: germline.
Comment: The c.300delA pathogenic mutation, located in coding exon 2 of the SMARCA4 gene, results from a deletion of one nucleotide at nucleotide position 300, causing a translational frameshift with a predicted alternate stop codon (p.G102Afs*201). This alteration is expected to result in loss of function by premature protein truncation or nonsense-mediated mRNA decay. Loss-of-function variants in SMARCA4 are known to cause rhabdoid tumor predisposition syndrome including small cell carcinoma of the ovary-hypercalcemic type (SCCOHT); however, such associations with neurodevelopmental disorders are exceedingly rare (Kosho T et al. Am J Med Genet C Semin Med Genet. 2014 Sep;166C(3):262-75; Jelinic P et al. Nat Genet. 2014 May;46(5):424-6). Based on the supporting evidence, this alteration is pathogenic for rhabdoid tumor predisposition syndrome; however, the association of this alteration with Coffin-Siris syndrome is unlikely.